The following is an entry in ClinVar:

NM_015425.6(POLR1A):c.1811del (p.Gly604fs)

Genes: POLR1A (RNA polymerase I subunit A; minus strand), LOC126806264 (MED14-independent group 3 enhancer GRCh37_chr2:86296595-86297794; plus strand). Cytogenetic location: 2p11.2.
Variant type: Deletion.
Coding change: c.1811del on transcript NM_015425.6 (MANE Select); coding-DNA position 1811, one base deleted (G; older notation c.1811delG).
Protein change: p.Gly604fs; shifts the reading frame from glycine 604.
Molecular consequence: frameshift variant.
Genome position (GRCh38, 1-based): chr2:86,070,073, C deleted on the plus strand (G on the coding strand, the reverse complement: POLR1A is on the minus strand); the first of 3 consecutive C bases (chr2:86,070,073-86,070,075); deleting any one gives the same sequence. VCF-style (leftmost placement, unchanged base first): chr2-86070072-GC-G. GRCh37 (hg19) VCF-style: chr2-86297195-GC-G.
Other names: short protein forms G604fs.
Identifiers: ClinVar variation 1314963 (VCV001314963.2), dbSNP rs2104412788, ClinGen allele CA2573052036.

ClinVar aggregate classification (germline): Uncertain significance (1 of 4 stars; one submission).

Submission:

GeneDx
Classification: Uncertain significance. Last evaluated: 2020-02-27. Review status: criteria provided, single submitter. Criteria: GeneDx Variant Classification Process June 2021. Collection method: clinical testing. Allele origin: germline. Affected: yes.
Comment: Not observed in large population cohorts (Lek et al., 2016); Frameshift variant predicted to result in protein truncation or nonsense mediated decay in a gene for which loss-of-function is not a known mechanism of disease; Has not been previously published as pathogenic or benign to our knowledge